The following is an entry in ClinVar:

NM_031421.5(ODAD4):c.716G>A (p.Trp239Ter)

Gene: ODAD4 (outer dynein arm docking complex subunit 4; plus strand). Cytogenetic location: 17q21.2.
Variant type: single nucleotide variant.
Coding change: c.716G>A on transcript NM_031421.5 (MANE Select); coding-DNA position 716, G replaced by A.
Protein change: p.Trp239Ter; replaces tryptophan 239 with a stop codon.
Molecular consequence: nonsense. On other transcripts: non-coding transcript variant (1).
Genome position (GRCh38, 1-based): chr17:41,938,647, G>A. VCF-style: chr17-41938647-G-A. GRCh37 (hg19) VCF-style: chr17-40094900-G-A.
Other names: c.716G>A, p.Trp239Ter (NM_001350319.2); short protein forms W239*.
Identifiers: ClinVar variation 3893221 (VCV003893221.2).
Genomic context (GRCh38, chr17:41,938,647, plus strand): 5'-TGACTGTGGAGGACCTCATCATGACGGGCATCAACTACCTGGATACTCACAGCAACTTCT[G>A]GAGGCAGCAGAAGCCGATCTACGCCAGGGAGCGGGACCGGAAGCTGATGCAAGAGAAATG-3'

ClinVar aggregate classification (germline): Pathogenic/Likely pathogenic. Review status: criteria provided, single submitter (1 of 4 stars). 2 submissions from 1 submitter: Pathogenic (1); Likely pathogenic (1). Last evaluated 2026-04-01.

Conditions:
Primary ciliary dyskinesia 35. Also called: CILIARY DYSKINESIA, PRIMARY, 35, WITH OR WITHOUT SITUS INVERSUS. Identifiers: Orphanet 244, MedGen C4310721, MONDO:0014910, OMIM 617092.
Primary ciliary dyskinesia. Also called: Ciliary dyskinesia. Identifiers: Orphanet 244, MedGen C0008780, MONDO:0016575, HP:0012265.

Submissions (2):

Department of Human Genetics, Hannover Medical School
Classification: Likely pathogenic for Primary Ciliary Dyskinesia. Last evaluated: 2026-04-01. Review status: criteria provided, single submitter. Criteria: ACMG Guidelines, 2015. Collection method: research. Allele origin: germline. Affected: yes.
Comment: Classification performed by HerediClassify using the following criteria:['PM2_supporting: Variant occures does not occur as homozygous in gnomAD.', 'PVS1_protein_very_strong: Transcript ENST00000377540 is predicted to undergo NMD. ']

Department of Human Genetics, Hannover Medical School
Classification: Pathogenic for Primary ciliary dyskinesia 35. Last evaluated: 2025-04-28. Review status: criteria provided, single submitter. Criteria: ACMG Guidelines, 2015. Collection method: clinical testing. Allele origin: germline. Inheritance: Autosomal recessive inheritance. Affected: yes.
Comment: ACMG: PVS1, PM2_Supporting, PM3